The following is an entry in ClinVar:

ClinVar aggregate classification (germline): Uncertain significance. Review status: criteria provided, multiple submitters, no conflicts (2 of 4 stars). 5 submissions from 5 submitters: Uncertain significance (5). Last evaluated 2025-09-22.

Conditions:
Hereditary cancer-predisposing syndrome. Also called: Neoplastic Syndromes, Hereditary; Tumor predisposition; Hereditary Cancer Syndrome; Hereditary neoplastic syndrome. Identifiers: Orphanet 140162, MedGen C0027672, MeSH D009386, MONDO:0015356.
Classic or attenuated familial adenomatous polyposis. Identifiers: MedGen CN372698, MONDO:0021057.
Familial adenomatous polyposis 1 (FAP1). Also called: FAMILIAL ADENOMATOUS POLYPOSIS 1, ATTENUATED; POLYPOSIS, ADENOMATOUS INTESTINAL. Identifiers: MedGen C2713442, MONDO:0021056, OMIM 175100. Disease mechanism: loss of function.

Allele frequency attached by ClinVar (database versions not stated): gnomAD exomes below 0.00001; TOPMed 0.00001.
gnomAD v4.1: 1 of 1,613,812 alleles (0.000062%); highest among the groups gnomAD compares: Admixed American, 0.0017%; no homozygotes.

Submissions (5):

Labcorp Genetics (formerly Invitae), Labcorp
Classification: Uncertain significance for Familial adenomatous polyposis 1. Last evaluated: 2025-09-22. Review status: criteria provided, single submitter. Criteria: Invitae Variant Classification Sherloc (09022015). Collection method: clinical testing. Allele origin: germline.
Comment: This sequence change replaces leucine, which is neutral and non-polar, with phenylalanine, which is neutral and non-polar, at codon 1972 of the APC protein (p.Leu1972Phe). The frequency data for this variant in the population databases is considered unreliable, as metrics indicate poor data quality at this position in the gnomAD database. This missense change has been observed in individual(s) with an unspecified cancer (PMID: 28873162). ClinVar contains an entry for this variant (Variation ID: 482316). Invitae Evidence Modeling of protein sequence and biophysical properties (such as structural, functional, and spatial information, amino acid conservation, physicochemical variation, residue mobility, and thermodynamic stability) indicates that this missense variant is not expected to disrupt APC protein function with a negative predictive value of 95%. In summary, the available evidence is currently insufficient to determine the role of this variant in disease. Therefore, it has been classified as a Variant of Uncertain Significance.

Ambry Genetics
Classification: Uncertain significance for Hereditary cancer-predisposing syndrome. Last evaluated: 2025-08-11. Review status: criteria provided, single submitter. Criteria: Ambry Variant Classification Scheme 2023. Collection method: clinical testing. Allele origin: germline.
Comment: The p.L1972F variant (also known as c.5914C>T), located in coding exon 15 of the APC gene, results from a C to T substitution at nucleotide position 5914. The leucine at codon 1972 is replaced by phenylalanine, an amino acid with highly similar properties. This amino acid position is highly conserved in available vertebrate species. In addition, in silico predictors for this gene do not accurately predict pathogenicity. Since supporting evidence is limited at this time, the clinical significance of this alteration remains unclear.

All of Us Research Program, National Institutes of Health
Classification: Uncertain significance for Classic or attenuated familial adenomatous polyposis. Last evaluated: 2024-04-25. Review status: criteria provided, single submitter. Criteria: ACMG Guidelines, 2015. Collection method: clinical testing. Allele origin: germline. Inheritance: Autosomal dominant inheritance. Observed: 1 variant allele, 1 heterozygote.
Comment: This missense variant replaces leucine with phenylalanine at codon 1972 of the APC protein. Computational prediction is inconclusive regarding the impact of this variant on protein structure and function (internally defined REVEL score threshold 0.5 < inconclusive < 0.7, PMID: 27666373). To our knowledge, functional studies have not been reported for this variant. This variant has been reported in an individual with an unspecified cancer (PMID: 28873162). This variant has been identified in 1/250754 chromosomes in the general population by the Genome Aggregation Database (gnomAD). The available evidence is insufficient to determine the role of this variant in disease conclusively. Therefore, this variant is classified as a Variant of Uncertain Significance.

This study involves interpretation of variants in research participants for the purpose of population health screening. Participant phenotype was not available at the time of variant classification. Additional details can be found in publication PMID: 35346344, PMCID: PMC8962531

Color Diagnostics, LLC DBA Color Health
Classification: Uncertain significance for Hereditary cancer-predisposing syndrome. Last evaluated: 2024-04-12. Review status: criteria provided, single submitter. Criteria: ACMG Guidelines, 2015. Collection method: clinical testing. Allele origin: germline.
Comment: This missense variant replaces leucine with phenylalanine at codon 1972 of the APC protein. Computational prediction is inconclusive regarding the impact of this variant on protein structure and function (internally defined REVEL score threshold 0.5 < inconclusive < 0.7, PMID: 27666373). To our knowledge, functional studies have not been reported for this variant. This variant has been reported in an individual with an unspecified cancer (PMID: 28873162). This variant has been identified in 1/250754 chromosomes in the general population by the Genome Aggregation Database (gnomAD). The available evidence is insufficient to determine the role of this variant in disease conclusively. Therefore, this variant is classified as a Variant of Uncertain Significance.

Women's Health and Genetics/Laboratory Corporation of America, LabCorp
Classification: Uncertain significance. Last evaluated: 2022-10-03. Review status: criteria provided, single submitter. Criteria: LabCorp Variant Classification Summary - May 2015. Collection method: clinical testing. Allele origin: germline.
Comment: Variant summary: APC c.5914C>T (p.Leu1972Phe) results in a non-conservative amino acid change in the encoded protein sequence. Five of five in-silico tools predict a damaging effect of the variant on protein function. The variant allele was found at a frequency of 4e-06 in 250754 control chromosomes. The available data on variant occurrences in the general population are insufficient to allow any conclusion about variant significance. To our knowledge, no occurrence of c.5914C>T in individuals affected with Familial Adenomatous Polyposis and no experimental evidence demonstrating its impact on protein function have been reported. Three clinical diagnostic laboratories have submitted clinical-significance assessments for this variant to ClinVar after 2014 without evidence for independent evaluation. All laboratories classified the variant as uncertain significance. Based on the evidence outlined above, the variant was classified as uncertain significance.

Literature cited by the submitters: PubMed 28873162 (cited by 4 submitters).

NM_000038.6(APC):c.5914C>T (p.Leu1972Phe)

Gene: APC (APC regulator of Wnt signaling pathway; plus strand). Cytogenetic location: 5q22.2.
Variant type: single nucleotide variant.
Coding change: c.5914C>T on transcript NM_000038.6 (MANE Select); coding-DNA position 5914, C replaced by T.
Protein change: p.Leu1972Phe; replaces leucine 1972 with phenylalanine.
Molecular consequence: missense variant.
Genome position (GRCh38, 1-based): chr5:112,841,508, C>T. VCF-style: chr5-112841508-C-T. GRCh37 (hg19) VCF-style: chr5-112177205-C-T.
Other names: c.5914C>T, p.Leu1972Phe (NM_001127510.3, NM_001354895.2); c.5860C>T, p.Leu1954Phe (NM_001127511.3); c.5968C>T, p.Leu1990Phe (NM_001354896.2); c.5944C>T, p.Leu1982Phe (NM_001354897.2); c.5839C>T, p.Leu1947Phe (NM_001354898.2); c.5830C>T, p.Leu1944Phe (NM_001354899.2); c.5791C>T, p.Leu1931Phe (NM_001354900.2); c.5737C>T, p.Leu1913Phe (NM_001354901.2); and 5 more; short protein forms L1954F, L1972F, L1881F, L1846F, L1913F, L1944F, L1871F, L1689F.
Identifiers: ClinVar variation 482316 (VCV000482316.21), dbSNP rs1222940653, ClinGen allele CA16034269.